The following is an entry in ClinVar:

ClinVar aggregate classification (germline): Uncertain significance (1 of 4 stars; one submission).

Conditions:
Autosomal dominant limb-girdle muscular dystrophy type 1F (LGMDD2). Also called: Limb-girdle muscular dystrophy, type 1F; MUSCULAR DYSTROPHY, LIMB-GIRDLE, AUTOSOMAL DOMINANT 2. Identifiers: Orphanet 55595, MedGen C1842062, MONDO:0012034, OMIM 608423.

Allele frequency attached by ClinVar (database versions not stated): gnomAD below 0.00001 and 0.00001; gnomAD exomes below 0.00001; ExAC 0.00001.
gnomAD v4.1: 1 of 1,613,954 alleles (0.000062%); highest among the groups gnomAD compares: South Asian, 0.0011%; no homozygotes.

Submission:

Labcorp Genetics (formerly Invitae), Labcorp
Classification: Uncertain significance for Autosomal dominant limb-girdle muscular dystrophy type 1F. Last evaluated: 2022-10-05. Review status: criteria provided, single submitter. Criteria: Invitae Variant Classification Sherloc (09022015). Collection method: clinical testing. Allele origin: germline.
Comment: This sequence change replaces glycine, which is neutral and non-polar, with glutamic acid, which is acidic and polar, at codon 35 of the TNPO3 protein (p.Gly35Glu). In summary, the available evidence is currently insufficient to determine the role of this variant in disease. Therefore, it has been classified as a Variant of Uncertain Significance. Algorithms developed to predict the effect of sequence changes on RNA splicing suggest that this variant may create or strengthen a splice site. Advanced modeling of protein sequence and biophysical properties (such as structural, functional, and spatial information, amino acid conservation, physicochemical variation, residue mobility, and thermodynamic stability) performed at Invitae indicates that this missense variant is not expected to disrupt TNPO3 protein function. ClinVar contains an entry for this variant (Variation ID: 1005020). This variant has not been reported in the literature in individuals affected with TNPO3-related conditions. The frequency data for this variant in the population databases is considered unreliable, as metrics indicate poor data quality at this position in the gnomAD database.

NM_012470.4(TNPO3):c.104G>A (p.Gly35Glu)

Genes: TNPO3 (transportin 3; minus strand), LOC129999289 (ATAC-STARR-seq lymphoblastoid active region 26616; plus strand). Cytogenetic location: 7q32.1.
Variant type: single nucleotide variant.
Coding change: c.104G>A on transcript NM_012470.4 (MANE Select); coding-DNA position 104, G replaced by A.
Protein change: p.Gly35Glu; replaces glycine 35 with glutamic acid.
Molecular consequence: missense variant. On other transcripts: non-coding transcript variant (18).
Genome position (GRCh38, 1-based): chr7:129,054,667, C>T on the plus strand (G>A on the coding strand, the complement: TNPO3 is on the minus strand). VCF-style: chr7-129054667-C-T. GRCh37 (hg19) VCF-style: chr7-128694721-C-T.
Other names: c.104G>A, p.Gly35Glu (NM_001191028.3, NM_001382216.1, NM_001382217.1 and 6 more transcripts); short protein forms G35E.
Identifiers: ClinVar variation 1005020 (VCV001005020.9), dbSNP rs746657043, ClinGen allele CA4478470.